The following is an entry in ClinVar:

NM_021625.5(TRPV4):c.707A>G (p.Tyr236Cys)

Gene: TRPV4 (transient receptor potential cation channel subfamily V member 4; minus strand). Cytogenetic location: 12q24.11.
Variant type: single nucleotide variant.
Coding change: c.707A>G on transcript NM_021625.5 (MANE Select); coding-DNA position 707, A replaced by G.
Protein change: p.Tyr236Cys; replaces tyrosine 236 with cysteine.
Molecular consequence: missense variant.
Genome position (GRCh38, 1-based): chr12:109,802,996, T>C on the plus strand (A>G on the coding strand, the complement: TRPV4 is on the minus strand). VCF-style: chr12-109802996-T-C. GRCh37 (hg19) VCF-style: chr12-110240801-T-C.
Other names: c.605A>G, p.Tyr202Cys (NM_001177431.2); c.707A>G, p.Tyr236Cys (NM_001177433.2, NM_147204.3, NM_001177428.2); short protein forms Y202C, Y236C.
Identifiers: ClinVar variation 4803076 (VCV004803076.1).

ClinVar aggregate classification (germline): Uncertain significance (1 of 4 stars; one submission).

Conditions:
Charcot-Marie-Tooth disease axonal type 2C (HMSN2C). Also called: Charcot-Marie-Tooth Disease Type 2, TRPV4-Related (CMT2C); CHARCOT-MARIE-TOOTH DISEASE, AXONAL, AUTOSOMAL DOMINANT, TYPE 2C; Charcot-Marie-Tooth Neuropathy Type 2C. Identifiers: Orphanet 99937, MedGen C1853710, MONDO:0011633, OMIM 606071.

Submission:

Labcorp Genetics (formerly Invitae), Labcorp
Classification: Uncertain significance for Charcot-Marie-Tooth disease axonal type 2C. Last evaluated: 2025-11-03. Review status: criteria provided, single submitter. Criteria: Invitae Variant Classification Sherloc (09022015). Collection method: clinical testing. Allele origin: germline.
Comment: This sequence change replaces tyrosine, which is neutral and polar, with cysteine, which is neutral and slightly polar, at codon 236 of the TRPV4 protein (p.Tyr236Cys). This variant is not present in population databases (gnomAD no frequency). This variant has not been reported in the literature in individuals affected with TRPV4-related conditions. Invitae Evidence Modeling of protein sequence and biophysical properties (such as structural, functional, and spatial information, amino acid conservation, physicochemical variation, residue mobility, and thermodynamic stability) has been performed for this missense variant. However, the output from this modeling did not meet the statistical confidence thresholds required to predict the impact of this variant on TRPV4 protein function. In summary, the available evidence is currently insufficient to determine the role of this variant in disease. Therefore, it has been classified as a Variant of Uncertain Significance.